The following is an entry in ClinVar:

NM_001429.4(EP300):c.645T>C (p.Ala215=)

Gene: EP300 (EP300 lysine acetyltransferase; plus strand). Cytogenetic location: 22q13.2.
Variant type: single nucleotide variant.
Coding change: c.645T>C on transcript NM_001429.4 (MANE Select); coding-DNA position 645, T replaced by C.
Protein change: p.Ala215=; no amino-acid change (alanine 215 retained).
Molecular consequence: synonymous variant.
Genome position (GRCh38, 1-based): chr22:41,117,737, T>C. VCF-style: chr22-41117737-T-C. GRCh37 (hg19) VCF-style: chr22-41513741-T-C.
Other names: c.645T>C, p.Ala215= (NM_001362843.2).
Identifiers: ClinVar variation 4978737 (VCV004978737.1).

ClinVar aggregate classification (germline): Likely benign (1 of 4 stars; one submission).

Conditions:
EP300-related disorder. Also called: EP300-related condition; EP300-related disorders.

gnomAD v4.1: 6 of 1,614,210 alleles (0.00037%); highest among the groups gnomAD compares: Non-Finnish European, 0.00051%; no homozygotes.

Submission:

PreventionGenetics, part of Exact Sciences
Classification: Likely benign for EP300-related condition. Last evaluated: 2026-08-27. Review status: criteria provided, single submitter. Criteria: ACMG Guidelines, 2015. Collection method: clinical testing. Allele origin: germline.
Comment: This variant is classified as likely benign based on ACMG/AMP sequence variant interpretation guidelines (Richards et al. 2015 PMID: 25741868, with internal and published modifications).